The following is an entry in ClinVar:

NM_001368894.2(PAX6):c.113G>C (p.Arg38Pro)

Gene: PAX6 (paired box 6; minus strand). Cytogenetic location: 11p13.
Variant type: single nucleotide variant.
Coding change: c.113G>C on transcript NM_001368894.2 (MANE Select); coding-DNA position 113, G replaced by C.
Protein change: p.Arg38Pro; replaces arginine 38 with proline.
Molecular consequence: missense variant. On other transcripts: 5 prime UTR variant (12), non-coding transcript variant (2), intron variant (2).
Genome position (GRCh38, 1-based): chr11:31,802,732, C>G on the plus strand (G>C on the coding strand, the complement: PAX6 is on the minus strand). VCF-style: chr11-31802732-C-G. GRCh37 (hg19) VCF-style: chr11-31824280-C-G.
Other names: c.113G>C, p.Arg38Pro (NM_000280.6, NM_001127612.3, NM_001258462.3 and 30 more transcripts); c.-669G>C (NM_001310160.2, NM_001368905.2); c.-338G>C (NM_001310161.3, NM_001368900.2, NM_001368903.2 and 2 more transcripts); c.-296G>C (NM_001368899.2, NM_001368901.2, NM_001368906.2 and 1 more transcripts); c.-627G>C (NM_001368902.2); c.356G>C, p.Arg119Pro (NM_001368910.2); c.116G>C, p.Arg39Pro (NM_001368911.2); c.-267-956G>C (NM_001368909.2, NM_001368904.2); short protein forms R38P, R39P, R119P.
Identifiers: ClinVar variation 2185907 (VCV002185907.4), dbSNP rs2496291260, ClinGen allele CA379959517.

ClinVar aggregate classification (germline): Pathogenic (1 of 4 stars; one submission).

Conditions:
Aniridia 1 (AN1). Identifiers: Orphanet 250923, MedGen C0344542, MONDO:0024507, OMIM 106210.
Irido-corneo-trabecular dysgenesis (ASGD5). Also called: ANTERIOR SEGMENT DYSGENESIS 5. Identifiers: Orphanet 708, MedGen C0344559, MONDO:0011414, OMIM 604229, HP:0000659.

Submission:

Labcorp Genetics (formerly Invitae), Labcorp
Classification: Pathogenic for Aniridia 1; Irido-corneo-trabecular dysgenesis. Last evaluated: 2026-01-19. Review status: criteria provided, single submitter. Criteria: Invitae Variant Classification Sherloc (09022015). Collection method: clinical testing. Allele origin: germline.
Comment: This sequence change replaces arginine, which is basic and polar, with proline, which is neutral and non-polar, at codon 38 of the PAX6 protein (p.Arg38Pro). This variant is not present in population databases (gnomAD no frequency). This missense change has been observed in individual(s) with clinical features of PAX6-related conditions (PMID: 29145603, 32883240, 34415986). Invitae Evidence Modeling of clinical and family history, age, sex, and reported ancestry of multiple individuals with this PAX6 variant has been performed. This variant is expected to be pathogenic with a positive predictive value of at least 99%. This is a validated machine learning model that incorporates the clinical features of 11,666 individuals referred to our laboratory for PAX6 testing. ClinVar contains an entry for this variant (Variation ID: 2185907). Invitae Evidence Modeling of protein sequence and biophysical properties (such as structural, functional, and spatial information, amino acid conservation, physicochemical variation, residue mobility, and thermodynamic stability) indicates that this missense variant is expected to disrupt PAX6 protein function with a positive predictive value of 80%. This variant disrupts the p.Arg38 amino acid residue in PAX6. Other variant(s) that disrupt this residue have been determined to be pathogenic (PMID: 17406642, 19876904, 29914532, 31700164). This suggests that this residue is clinically significant, and that variants that disrupt this residue are likely to be disease-causing. For these reasons, this variant has been classified as Pathogenic.

Literature cited by the submitters: PubMed 29145603; PubMed 32883240; PubMed 34415986; PubMed 17406642; PubMed 19876904; PubMed 29914532; PubMed 31700164.